The following is an entry in ClinVar:

NM_000264.5(PTCH1):c.2619C>G (p.Tyr873Ter)

Gene: PTCH1 (patched 1; minus strand). Cytogenetic location: 9q22.32.
Variant type: single nucleotide variant.
Coding change: c.2619C>G on transcript NM_000264.5 (MANE Select); coding-DNA position 2619, C replaced by G.
Protein change: p.Tyr873Ter; replaces tyrosine 873 with a stop codon.
Molecular consequence: nonsense. On other transcripts: non-coding transcript variant (1).
Genome position (GRCh38, 1-based): chr9:95,461,940, G>C on the plus strand (C>G on the coding strand, the complement: PTCH1 is on the minus strand). VCF-style: chr9-95461940-G-C. GRCh37 (hg19) VCF-style: chr9-98224222-G-C.
Other names: c.2421C>G, p.Tyr807Ter (NM_001083602.3); c.2616C>G, p.Tyr872Ter (NM_001083603.3); c.2166C>G, p.Tyr722Ter (NM_001083604.3, NM_001083605.3, NM_001083606.3 and 1 more transcripts); c.2463C>G, p.Tyr821Ter (NM_001354918.2); short protein forms Y873*, Y807*, Y821*, Y722*, Y872*.
Identifiers: ClinVar variation 453824 (VCV000453824.10), dbSNP rs1554692291, ClinGen allele CA374113458.
Genomic context (GRCh38, chr9:95,461,940, plus strand): 5'-GCGGCTGCCGGTTTGCACCAGGAGTTTGTAGGCAAGGACTCCATCGTCTGATCCATTCTT[G>C]TAATTGTTTGGCATGATTTTCCCGGTTTCCCAGTCACTGTCAAATGCATCCTGAAGTCCT-3'

ClinVar aggregate classification (germline): Pathogenic. Review status: criteria provided, multiple submitters, no conflicts (2 of 4 stars). 3 submissions from 3 submitters: Pathogenic (3). Last evaluated 2025-10-08.

Conditions:
Gorlin syndrome. Also called: Nevoid Basal Cell Carcinoma Syndrome; Basal cell nevus syndrome. Identifiers: Orphanet 377, MedGen C0004779, MONDO:0007187.
Basal cell nevus syndrome 1 (BCNS1). Also called: GORLIN-GOLTZ SYNDROME; MULTIPLE BASAL CELL NEVI, ODONTOGENIC KERATOCYSTS, AND SKELETAL ANOMALIES. Identifiers: MedGen CN376810, MONDO:0958174, OMIM 109400.

Submissions (3):

Dasa
Classification: Pathogenic. Last evaluated: 2025-10-08. Review status: criteria provided, single submitter. Criteria: DASA Assertion Criteria. Collection method: clinical testing. Allele origin: germline.
Comment: NM_000264.5(PTCH1):c.2619C>G (p.Tyr873*) introduces a premature termination codon predicted to result in loss of normal protein function. Loss-of-function is an established mechanism of disease for this gene. This variant has been reported in individuals with related phenotype (PMID: 29575684). The variant is present at low frequency in population datasets. Based on the available data, this variant is classified as pathogenic.

Variantyx, Inc.
Classification: Pathogenic for Basal cell nevus syndrome 1. Last evaluated: 2025-05-19. Review status: criteria provided, single submitter. Criteria: Variantyx Assertion Criteria 2022. Collection method: clinical testing. Allele origin: germline. Inheritance: Autosomal recessive inheritance.
Comment: This is a nonsense variant in the PTCH1 gene (OMIM: 601309). Pathogenic variants in this gene have been associated with autosomal dominant basal cell nevus syndrome 1. This variant introduces a premature termination codon in exon 16 out of 24 and is expected to result in loss of function, which is a known disease mechanism for PTCH1 in this disorder (PMID: 12925203, 30411536) (PVS1). This variant has been reported in several unrelated affected individuals (PMID: 12925203, 26544948, 29575684) (PS4_Moderate) and is absent from control populations (PM2). Based on the current evidence, this variant is classified as pathogenic for autosomal dominant basal cell nevus syndrome 1.

Labcorp Genetics (formerly Invitae), Labcorp
Classification: Pathogenic for Gorlin syndrome. Last evaluated: 2022-03-11. Review status: criteria provided, single submitter. Criteria: Invitae Variant Classification Sherloc (09022015). Collection method: clinical testing. Allele origin: germline.
Comment: For these reasons, this variant has been classified as Pathogenic. ClinVar contains an entry for this variant (Variation ID: 453824). This premature translational stop signal has been observed in individual(s) with clinical features of PTCH1 related conditions (PMID: 12925203, 26544948, 29575684). This variant is not present in population databases (gnomAD no frequency). This sequence change creates a premature translational stop signal (p.Tyr873*) in the PTCH1 gene. It is expected to result in an absent or disrupted protein product. Loss-of-function variants in PTCH1 are known to be pathogenic (PMID: 16301862, 16419085).

Literature cited by the submitters: PubMed 29575684 (cited by 3 submitters); PubMed 12925203 (cited by Variantyx, Inc. and Labcorp Genetics (formerly Invitae), Labcorp); PubMed 30411536 (cited by Variantyx, Inc.); PubMed 26544948 (cited by Variantyx, Inc. and Labcorp Genetics (formerly Invitae), Labcorp); PubMed 16301862 (cited by Labcorp Genetics (formerly Invitae), Labcorp); PubMed 16419085 (cited by Labcorp Genetics (formerly Invitae), Labcorp).